The following is an entry in ClinVar:

ClinVar aggregate classification (germline): Uncertain significance (1 of 4 stars; one submission).

Conditions:
Hereditary cancer-predisposing syndrome. Also called: Neoplastic Syndromes, Hereditary; Tumor predisposition; Hereditary Cancer Syndrome; Hereditary neoplastic syndrome. Identifiers: Orphanet 140162, MedGen C0027672, MeSH D009386, MONDO:0015356.

Submission:

Ambry Genetics
Classification: Uncertain significance for Hereditary cancer-predisposing syndrome. Last evaluated: 2025-10-29. Review status: criteria provided, single submitter. Criteria: Ambry Variant Classification Scheme 2023. Collection method: clinical testing. Allele origin: germline.
Comment: The p.N158K variant (also known as c.474C>A), located in coding exon 6 of the BRCA1 gene, results from a C to A substitution at nucleotide position 474. The asparagine at codon 158 is replaced by lysine, an amino acid with similar properties. This amino acid position is well conserved in available vertebrate species. In addition, the in silico prediction for this alteration is inconclusive. Based on the available evidence, the clinical significance of this variant remains unclear.

NM_007294.4(BRCA1):c.474C>A (p.Asn158Lys)

Gene: BRCA1 (BRCA1 DNA repair associated; minus strand). Cytogenetic location: 17q21.31.
Variant type: single nucleotide variant.
Coding change: c.474C>A on transcript NM_007294.4 (MANE Select); coding-DNA position 474, C replaced by A.
Protein change: p.Asn158Lys; replaces asparagine 158 with lysine.
Molecular consequence: missense variant. On other transcripts: intron variant (2).
Genome position (GRCh38, 1-based): chr17:43,099,848, G>T on the plus strand (C>A on the coding strand, the complement: BRCA1 is on the minus strand). VCF-style: chr17-43099848-G-T. GRCh37 (hg19) VCF-style: chr17-41251865-G-T.
Other names: c.264C>A, p.Asn88Lys (NM_001408480.1, NM_001408481.1, NM_001408482.1 and 37 more transcripts); c.261C>A, p.Asn87Lys (NM_001408490.1, NM_001408491.1, NM_001407917.1 and 18 more transcripts); c.471C>A, p.Asn157Lys (NM_001407685.1, NM_001407686.1, NM_001407687.1 and 65 more transcripts); c.474C>A, p.Asn158Lys (NM_001407680.1, NM_001407681.1, NM_001407683.1 and 96 more transcripts); c.333C>A, p.Asn111Lys (NM_001407724.1, NM_001407725.1, NM_001407697.1 and 61 more transcripts); c.396C>A, p.Asn132Lys (NM_001408409.1, NM_001408411.1, NM_001408412.1 and 12 more transcripts); c.393C>A, p.Asn131Lys (NM_001408413.1, NM_001408416.1, NM_001408475.1 and 6 more transcripts); c.339C>A, p.Asn113Lys (NM_001408451.1); and 5 more; short protein forms N113K, N157K, N158K, N30K, N31K, N88K, N111K, N132K.
Identifiers: ClinVar variation 4625227 (VCV004625227.1).